The following is an entry in ClinVar:

ClinVar aggregate classification (germline): Likely benign. Review status: criteria provided, single submitter (1 of 4 stars). 2 submissions from 2 submitters: Likely benign (1). 1 of the submissions does not count toward it. Last evaluated 2018-03-29.

Conditions:
TRIO-related disorder. Also called: TRIO-related disorders; TRIO-related condition.

Allele frequency attached by ClinVar (database versions not stated): gnomAD exomes 0.00002; gnomAD 0.00006; TOPMed 0.00014.
gnomAD v4.1: 44 of 1,549,080 alleles (0.0028%); highest among the groups gnomAD compares: Admixed American, 0.019%; no homozygotes.

Submissions (2):

Labcorp Genetics (formerly Invitae), Labcorp
Classification: Likely benign. Last evaluated: 2018-03-29. Review status: criteria provided, single submitter. Criteria: Invitae Variant Classification Sherloc (09022015). Collection method: clinical testing. Allele origin: germline.

PreventionGenetics, part of Exact Sciences
Classification: Likely benign for TRIO-related condition. Last evaluated: 2022-11-09. Review status: no assertion criteria provided. Collection method: clinical testing. Allele origin: germline. Not counted in ClinVar's aggregate classification.
Comment: This variant is classified as likely benign based on ACMG/AMP sequence variant interpretation guidelines (Richards et al. 2015 PMID: 25741868, with internal and published modifications).

NM_007118.4(TRIO):c.7326C>T (p.Gly2442=)

Gene: TRIO (trio Rho guanine nucleotide exchange factor; plus strand). Cytogenetic location: 5p15.2.
Variant type: single nucleotide variant.
Coding change: c.7326C>T on transcript NM_007118.4 (MANE Select); coding-DNA position 7326, C replaced by T.
Protein change: p.Gly2442=; no amino-acid change (glycine 2442 retained).
Molecular consequence: synonymous variant.
Genome position (GRCh38, 1-based): chr5:14,487,954, C>T. VCF-style: chr5-14487954-C-T. GRCh37 (hg19) VCF-style: chr5-14488063-C-T.
Identifiers: ClinVar variation 737174 (VCV000737174.5), dbSNP rs913659884, ClinGen allele CA114003861.
Genomic context (GRCh38, chr5:14,487,954, plus strand): 5'-CGCGAACGCCTCGGGGTCGAGCCCAGACGCCCCCGCCAAGGACGCGCGCGCTAGCCTGGG[C>T]ACCCTGCCGCTTGGGAAGCCCCGGGCCGGGGCCGCTTCGCCGCTGAACTCGCCGCTCTCC-3'
Protein context (NP_009049.2, residues 2432-2452): APAKDARASL[Gly2442=]TLPLGKPRAG